The following is an entry in ClinVar:

ClinVar aggregate classification (germline): Uncertain significance (1 of 4 stars; one submission).

Conditions:
Combined immunodeficiency due to STIM1 deficiency. Also called: STIM1 DEFICIENCY; IMMUNODEFICIENCY 10. Identifiers: Orphanet 169090, Orphanet 317430, MedGen C2748557, MONDO:0013008, OMIM 612783.
Myopathy with tubular aggregates (TAM). Also called: Tubular Aggregate Myopathy. Identifiers: Orphanet 2593, MedGen C0410207, MONDO:0008051.
Stormorken syndrome (STRMK). Also called: THROMBOCYTOPATHY, ASPLENIA, AND MIOSIS. Identifiers: Orphanet 3204, MedGen C1861451, MONDO:0008497, OMIM 185070.

Allele frequency attached by ClinVar (database versions not stated): gnomAD exomes below 0.00001.

Submission:

Labcorp Genetics (formerly Invitae), Labcorp
Classification: Uncertain significance for Myopathy with tubular aggregates; Combined immunodeficiency due to STIM1 deficiency; Stormorken syndrome. Last evaluated: 2022-08-24. Review status: criteria provided, single submitter. Criteria: Invitae Variant Classification Sherloc (09022015). Collection method: clinical testing. Allele origin: germline.
Comment: This sequence change replaces alanine, which is neutral and non-polar, with threonine, which is neutral and polar, at codon 648 of the STIM1 protein (p.Ala648Thr). This variant is present in population databases (no rsID available, gnomAD 0.0009%). This variant has not been reported in the literature in individuals affected with STIM1-related conditions. ClinVar contains an entry for this variant (Variation ID: 1346272). Algorithms developed to predict the effect of missense changes on protein structure and function are either unavailable or do not agree on the potential impact of this missense change (SIFT: "Deleterious"; PolyPhen-2: "Benign"; Align-GVGD: "Class C0"). In summary, the available evidence is currently insufficient to determine the role of this variant in disease. Therefore, it has been classified as a Variant of Uncertain Significance.

NM_001382567.1(STIM1):c.2035G>A (p.Ala679Thr)

Genes: STIM1 (stromal interaction molecule 1; plus strand), LOC124418421 (Sharpr-MPRA regulatory region 9588; plus strand). Cytogenetic location: 11p15.4.
Variant type: single nucleotide variant.
Coding change: c.2035G>A on transcript NM_001382567.1 (MANE Select); coding-DNA position 2035, G replaced by A.
Protein change: p.Ala679Thr; replaces alanine 679 with threonine.
Molecular consequence: missense variant. On other transcripts: 3 prime UTR variant (4), non-coding transcript variant (3).
Genome position (GRCh38, 1-based): chr11:4,091,682, G>A. VCF-style: chr11-4091682-G-A. GRCh37 (hg19) VCF-style: chr11-4112912-G-A.
Other names: c.2260G>A, p.Ala754Thr (NM_001277961.3); c.*356G>A (NM_001277962.2, NM_001382578.1, NM_001382579.1 and 1 more transcripts); c.2038G>A, p.Ala680Thr (NM_001382566.1); c.1963G>A, p.Ala655Thr (NM_001382568.1); c.1807G>A, p.Ala603Thr (NM_001382569.1); c.1714G>A, p.Ala572Thr (NM_001382570.1); c.1462G>A, p.Ala488Thr (NM_001382571.1); c.1720G>A, p.Ala574Thr (NM_001382575.1, NM_001382576.1, NM_001382577.1); and 2 more; short protein forms A488T, A603T, A680T, A648T, A754T, A574T, A485T, A572T.
Identifiers: ClinVar variation 1346272 (VCV001346272.5), dbSNP rs1447309539, ClinGen allele CA379198019.